The following is an entry in ClinVar:

GRCh37/hg19 2q37.3(chr2:241556949-241578483)x3

Gene: GPR35 (G protein-coupled receptor 35; plus strand). Cytogenetic location: 2q37.3.
Variant type: copy number gain.
Change: copy number 3 (three copies instead of two) of chr2:241,556,949-241,578,483 (21.5 kb, GRCh37 coordinates, 1-based), cytogenetic band 2q37.3.
Identifiers: ClinVar variation 393915 (VCV000393915.3).

ClinVar aggregate classification (germline): Benign/Likely benign (0 of 4 stars; one submission).

Submission:

ISCA Site 6
Classification: Benign/Likely benign. Review status: no assertion criteria provided. Collection method: clinical testing. Allele origin: unknown. Affected: yes. Observed: 3 variant alleles. Clinical features observed: Developmental delay AND/OR other significant developmental or morphological phenotypes.
Comment: Likely benign (1), Benign (2)

Copy number variation identified through the course of routine clinical cytogenomic testing in postnatal populations, with clinical assertions as classified by the original submitter. For data from the original published study, Kaminsky, et al. 2011 (PubMed 21844811), please see nstd101.